The following is an entry in ClinVar:

ClinVar aggregate classification (germline): Likely pathogenic. Review status: criteria provided, multiple submitters, no conflicts (2 of 4 stars). 3 submissions from 3 submitters: Likely pathogenic (2). 1 of the submissions does not count toward it. Last evaluated 2026-10-19.

Conditions:
Migraine, familial hemiplegic, 2. Identifiers: Orphanet 569, MedGen C1865322, MONDO:0011232, OMIM 602481.

Allele frequency attached by ClinVar (database versions not stated): gnomAD exomes below 0.00001.
gnomAD v4.1: 1 of 1,614,180 alleles (0.000062%); highest among the groups gnomAD compares: Non-Finnish European, 0.000085%; no homozygotes.

Submissions (3):

GeneDx
Classification: Likely pathogenic. Last evaluated: 2026-10-19. Review status: criteria provided, single submitter. Criteria: GeneDx Variant Classification Process June 2021. Collection method: clinical testing. Allele origin: germline.
Comment: Reported in a large family with familial hemiplegic migraine (FHM) and benign familial infantile seizures (BFIS) and originally reported to be responsible for both disorders; however, a variant in the PRRT2 gene is now thought to cause the BFIC phenotype (PMID: 12953268, 24928127); Published in vitro functional studies demonstrate that R689Q causes decrease in catalytic turnover and increase in apparent affinity for K(+) (PMID: 16037212); In silico analysis supports that this missense variant has a deleterious effect on protein structure/function; Not observed at significant frequency in large population cohorts (gnomAD); This variant is associated with the following publications: (PMID: 24928127, 15115644, 33856647, 15970628, 41405460, 9579893, 38674378, 38731230, 41876989, 12953268, 16037212, 18184292)

CeGaT Center for Human Genetics Tuebingen
Classification: Likely pathogenic. Last evaluated: 2019-09-01. Review status: criteria provided, single submitter. Criteria: CeGaT Center For Human Genetics Tuebingen Variant Classification Criteria Version 2. Collection method: clinical testing. Allele origin: germline. Affected: yes. Observed: 5 variant alleles.

OMIM
Classification: Pathogenic for MIGRAINE, FAMILIAL HEMIPLEGIC, 2. Last evaluated: 2014-07-15. Review status: no assertion criteria provided. Collection method: literature only. Allele origin: germline. Not counted in ClinVar's aggregate classification.

Literature cited by the submitters: PubMed 9579893 (cited by OMIM); PubMed 12953268 (cited by OMIM); PubMed 24928127 (cited by OMIM); PubMed 16037212 (cited by OMIM).

NM_000702.4(ATP1A2):c.2066G>A (p.Arg689Gln)

Gene: ATP1A2 (ATPase Na+/K+ transporting subunit alpha 2; plus strand). Cytogenetic location: 1q23.2.
Variant type: single nucleotide variant.
Coding change: c.2066G>A on transcript NM_000702.4 (MANE Select); coding-DNA position 2066, G replaced by A.
Protein change: p.Arg689Gln; replaces arginine 689 with glutamine.
Molecular consequence: missense variant.
Genome position (GRCh38, 1-based): chr1:160,135,246, G>A. VCF-style: chr1-160135246-G-A. GRCh37 (hg19) VCF-style: chr1-160105036-G-A.
Other names: short protein forms R689Q.
Identifiers: ClinVar variation 12920 (VCV000012920.47), dbSNP rs28933401, ClinGen allele CA256633.